The following is an entry in ClinVar:

NM_024422.6(DSC2):c.1123C>G (p.Arg375Gly)

Gene: DSC2 (desmocollin 2; minus strand). Cytogenetic location: 18q12.1.
Variant type: single nucleotide variant.
Coding change: c.1123C>G on transcript NM_024422.6 (MANE Select); coding-DNA position 1123, C replaced by G.
Protein change: p.Arg375Gly; replaces arginine 375 with glycine.
Molecular consequence: missense variant.
Genome position (GRCh38, 1-based): chr18:31,082,378, G>C on the plus strand (C>G on the coding strand, the complement: DSC2 is on the minus strand). VCF-style: chr18-31082378-G-C. GRCh37 (hg19) VCF-style: chr18-28662344-G-C.
Other names: p.R375G:CGA>GGA; c.1123C>G, p.Arg375Gly (NM_004949.5); short protein forms R375G.
Identifiers: ClinVar variation 199782 (VCV000199782.20), dbSNP rs794728075, ClinGen allele CA022415.

ClinVar aggregate classification (germline): Uncertain significance. Review status: criteria provided, multiple submitters, no conflicts (2 of 4 stars). 6 submissions from 6 submitters: Uncertain significance (6). Last evaluated 2025-03-26.

Conditions:
Cardiovascular phenotype. Identifiers: MedGen CN230736.
Familial isolated arrhythmogenic right ventricular dysplasia. Identifiers: Orphanet 217656, MedGen C4274968, MONDO:0016342.
Cardiomyopathy (CMYO). Also called: Cardiomyopathies. Identifiers: Orphanet 167848, MedGen C0878544, MONDO:0004994, HP:0001638. Inheritance: Various modes of inheritance.
Arrhythmogenic right ventricular dysplasia 11. Also called: Arrhythmogenic right ventricular dysplasia 11 with mild palmoplantar keratoderma and woolly hair; Arrhythmogenic Right Ventricular Dysplasia/Cardiomyopathy11; ARRHYTHMOGENIC RIGHT VENTRICULAR DYSPLASIA, FAMILIAL, 11. Identifiers: MedGen C1864850, MONDO:0012506, OMIM 610476.

gnomAD v4.1: 17 of 1,613,642 alleles (0.0011%); highest among the groups gnomAD compares: African/African-American, 0.0027%; no homozygotes.

Submissions (6):

Ambry Genetics
Classification: Uncertain significance for Cardiovascular phenotype. Last evaluated: 2025-03-26. Review status: criteria provided, single submitter. Criteria: Ambry Variant Classification Scheme 2023. Collection method: clinical testing. Allele origin: germline.
Comment: The p.R375G variant (also known as c.1123C>G), located in coding exon 9 of the DSC2 gene, results from a C to G substitution at nucleotide position 1123. The arginine at codon 375 is replaced by glycine, an amino acid with dissimilar properties. This amino acid position is well conserved in available vertebrate species. In addition, this alteration is predicted to be deleterious by in silico analysis. Based on the available evidence, the clinical significance of this variant remains unclear.

GeneDx
Classification: Uncertain significance. Last evaluated: 2024-10-30. Review status: criteria provided, single submitter. Criteria: GeneDx Variant Classification Process June 2021. Collection method: clinical testing. Allele origin: germline. Affected: yes.
Comment: Not observed at significant frequency in large population cohorts (gnomAD); In silico analysis supports that this missense variant has a deleterious effect on protein structure/function; Has not been previously published as pathogenic or benign to our knowledge

Labcorp Genetics (formerly Invitae), Labcorp
Classification: Uncertain significance for Arrhythmogenic right ventricular dysplasia 11. Last evaluated: 2024-09-04. Review status: criteria provided, single submitter. Criteria: Invitae Variant Classification Sherloc (09022015). Collection method: clinical testing. Allele origin: germline.
Comment: This sequence change replaces arginine, which is basic and polar, with glycine, which is neutral and non-polar, at codon 375 of the DSC2 protein (p.Arg375Gly). This variant is present in population databases (rs794728075, gnomAD 0.01%). This variant has not been reported in the literature in individuals affected with DSC2-related conditions. ClinVar contains an entry for this variant (Variation ID: 199782). Invitae Evidence Modeling of protein sequence and biophysical properties (such as structural, functional, and spatial information, amino acid conservation, physicochemical variation, residue mobility, and thermodynamic stability) indicates that this missense variant is expected to disrupt DSC2 protein function with a positive predictive value of 80%. In summary, the available evidence is currently insufficient to determine the role of this variant in disease. Therefore, it has been classified as a Variant of Uncertain Significance.

All of Us Research Program, National Institutes of Health
Classification: Uncertain significance for Familial isolated arrhythmogenic right ventricular dysplasia. Last evaluated: 2023-12-18. Review status: criteria provided, single submitter. Criteria: ACMG Guidelines, 2015. Collection method: clinical testing. Allele origin: germline. Inheritance: Autosomal dominant inheritance. Observed: 2 variant alleles, 2 heterozygotes.
Comment: This missense variant replaces arginine with glycine at codon 375 of the DSC2 protein. Computational prediction suggests that this variant may not impact protein structure and function (internally defined REVEL score threshold <= 0.5, PMID: 27666373). To our knowledge, functional studies have not been reported for this variant. This variant has not been reported in individuals affected with cardiovascular disorders in the literature. This variant has not been identified in the general population by the Genome Aggregation Database (gnomAD). The available evidence is insufficient to determine the role of this variant in disease conclusively. Therefore, this variant is classified as a Variant of Uncertain Significance.

This study involves interpretation of variants in research participants for the purpose of population health screening. Participant phenotype was not available at the time of variant classification. Additional details can be found in publication PMID: 35346344, PMCID: PMC8962531

Color Diagnostics, LLC DBA Color Health
Classification: Uncertain significance for Cardiomyopathy. Last evaluated: 2023-11-29. Review status: criteria provided, single submitter. Criteria: ACMG Guidelines, 2015. Collection method: clinical testing. Allele origin: germline.
Comment: This missense variant replaces arginine with glycine at codon 375 of the DSC2 protein. Computational prediction suggests that this variant may not impact protein structure and function (internally defined REVEL score threshold <= 0.5, PMID: 27666373). To our knowledge, functional studies have not been reported for this variant. This variant has not been reported in individuals affected with cardiovascular disorders in the literature. This variant has not been identified in the general population by the Genome Aggregation Database (gnomAD). The available evidence is insufficient to determine the role of this variant in disease conclusively. Therefore, this variant is classified as a Variant of Uncertain Significance.

Women's Health and Genetics/Laboratory Corporation of America, LabCorp
Classification: Uncertain significance. Last evaluated: 2020-09-08. Review status: criteria provided, single submitter. Criteria: LabCorp Variant Classification Summary - May 2015. Collection method: clinical testing. Allele origin: germline.
Comment: Variant summary: DSC2 c.1123C>G (p.Arg375Gly) results in a non-conservative amino acid change located in the Cadherin-like domain (IPR002126) of the encoded protein sequence. Four of five in-silico tools predict a damaging effect of the variant on protein function. The variant was absent in 251006 control chromosomes (gnomAD). The available data on variant occurrences in the general population are insufficient to allow any conclusion about variant significance. To our knowledge, no occurrence of c.1123C>G in individuals affected with Arrhythmogenic Right Ventricular Dysplasia/Cardiomyopathy and no experimental evidence demonstrating its impact on protein function have been reported. A ClinVar submitter (evaluation after 2014) cites the variant as uncertain significance. Based on the evidence outlined above, the variant was classified as uncertain significance.